The following is an entry in ClinVar:

ClinVar aggregate classification (germline): Uncertain significance (1 of 4 stars; one submission).

Submission:

GeneDx
Classification: Uncertain significance. Last evaluated: 2024-09-20. Review status: criteria provided, single submitter. Criteria: GeneDx Variant Classification Process June 2021. Collection method: clinical testing. Allele origin: germline. Affected: yes.
Comment: Not observed at significant frequency in large population cohorts (gnomAD); In silico analysis supports that this missense variant has a deleterious effect on protein structure/function; Has not been previously published as pathogenic or benign to our knowledge

NM_001170629.2(CHD8):c.3622T>A (p.Cys1208Ser)

Gene: CHD8 (chromodomain helicase DNA binding protein 8; minus strand). Cytogenetic location: 14q11.2.
Variant type: single nucleotide variant.
Coding change: c.3622T>A on transcript NM_001170629.2 (MANE Select); coding-DNA position 3622, T replaced by A.
Protein change: p.Cys1208Ser; replaces cysteine 1208 with serine.
Molecular consequence: missense variant.
Genome position (GRCh38, 1-based): chr14:21,403,109, A>T on the plus strand (T>A on the coding strand, the complement: CHD8 is on the minus strand). VCF-style: chr14-21403109-A-T. GRCh37 (hg19) VCF-style: chr14-21871268-A-T.
Other names: c.2785T>A, p.Cys929Ser (NM_020920.4); short protein forms C1208S, C929S.
Identifiers: ClinVar variation 3774098 (VCV003774098.1).